The following is an entry in ClinVar:

ClinVar aggregate classification (germline): Likely benign (1 of 4 stars; one submission).

Allele frequency attached by ClinVar (database versions not stated): ExAC 0.00018; ESP Exome Variant Server 0.00031.
gnomAD v4.1: 364 of 1,612,628 alleles (0.023%); highest among the groups gnomAD compares: Non-Finnish European, 0.029%; no homozygotes.

Submission:

CeGaT Center for Human Genetics Tuebingen
Classification: Likely benign. Last evaluated: 2022-10-01. Review status: criteria provided, single submitter. Criteria: CeGaT Center For Human Genetics Tuebingen Variant Classification Criteria Version 2. Collection method: clinical testing. Allele origin: germline. Affected: yes. Observed: 1 variant allele.
Comment: ADGRF3: BP4, BP7

NM_001321971.2(ADGRF3):c.1494G>A (p.Arg498=)

Gene: ADGRF3 (adhesion G protein-coupled receptor F3; minus strand). Cytogenetic location: 2p23.3.
Variant type: single nucleotide variant.
Coding change: c.1494G>A on transcript NM_001321971.2 (MANE Select); coding-DNA position 1494, G replaced by A.
Protein change: p.Arg498=; no amino-acid change (arginine 498 retained).
Molecular consequence: synonymous variant. On other transcripts: non-coding transcript variant (3).
Genome position (GRCh38, 1-based): chr2:26,312,030, C>T on the plus strand (G>A on the coding strand, the complement: ADGRF3 is on the minus strand). VCF-style: chr2-26312030-C-T. GRCh37 (hg19) VCF-style: chr2-26534898-C-T.
Other names: c.1698G>A, p.Arg566= (NM_001145168.1); c.1491G>A, p.Arg497= (NM_001145169.1); c.507G>A, p.Arg169= (NM_001321975.2, NM_001393343.1); c.1101G>A, p.Arg367= (NM_153835.4).
Identifiers: ClinVar variation 2650744 (VCV002650744.24), dbSNP rs149862488, ClinGen allele CA1560970.